The following is an entry in ClinVar:

ClinVar aggregate classification (germline): Uncertain significance (1 of 4 stars; one submission).

Allele frequency attached by ClinVar (database versions not stated): TOPMed below 0.00001.

Submission:

Labcorp Genetics (formerly Invitae), Labcorp
Classification: Uncertain significance. Last evaluated: 2024-04-25. Review status: criteria provided, single submitter. Criteria: Invitae Variant Classification Sherloc (09022015). Collection method: clinical testing. Allele origin: germline.
Comment: This sequence change replaces glycine, which is neutral and non-polar, with alanine, which is neutral and non-polar, at codon 11 of the LOX protein (p.Gly11Ala). This variant is present in population databases (rs750073669, gnomAD 0.001%). This missense change has been observed in individual(s) with LOX-related conditions (Invitae). Advanced modeling of protein sequence and biophysical properties (such as structural, functional, and spatial information, amino acid conservation, physicochemical variation, residue mobility, and thermodynamic stability) performed at Invitae indicates that this missense variant is not expected to disrupt LOX protein function with a negative predictive value of 80%. In summary, the available evidence is currently insufficient to determine the role of this variant in disease. Therefore, it has been classified as a Variant of Uncertain Significance.

NM_002317.7(LOX):c.32G>C (p.Gly11Ala)

Genes: LOX (lysyl oxidase; minus strand), SRFBP1 (serum response factor binding protein 1; plus strand). Cytogenetic location: 5q23.1.
Variant type: single nucleotide variant.
Coding change: c.32G>C on transcript NM_002317.7 (MANE Select); coding-DNA position 32, G replaced by C.
Protein change: p.Gly11Ala; replaces glycine 11 with alanine.
Molecular consequence: missense variant.
Genome position (GRCh38, 1-based): chr5:122,077,954, C>G on the plus strand (G>C on the coding strand, the complement: LOX is on the minus strand). VCF-style: chr5-122077954-C-G. GRCh37 (hg19) VCF-style: chr5-121413649-C-G.
Other names: short protein forms G11A.
Identifiers: ClinVar variation 2852627 (VCV002852627.3), dbSNP rs750073669, ClinGen allele CA3384142.
Genomic context (GRCh38, chr5:122,077,954, plus strand): 5'-GGCTGCTGTTGGCCGGCGGCGGGAGGGGCGCAGTGCACTAGCGCGCAGAGCTGCAAAGGC[C>G]CGAGCAGGAGCACGGTCCAGGCGAAGCGCATCACTCCTTTTGCCAGATTGACCCCGCTCG-3'
Protein context (NP_002308.2, residues 1-21): MRFAWTVLLL[Gly11Ala]PLQLCALVHC